The following is an entry in ClinVar:

ClinVar aggregate classification (germline): Uncertain significance. Review status: criteria provided, multiple submitters, no conflicts (2 of 4 stars). 2 submissions from 2 submitters: Uncertain significance (2). Last evaluated 2025-08-23.

Conditions:
Inborn genetic diseases. Identifiers: MedGen C0950123, MeSH D030342.
Leber congenital amaurosis 3 (LCA3). Also called: SPATA7-Related Retinitis Pigmentosa. Identifiers: MedGen C1858677, MONDO:0011415, OMIM 604232.

Allele frequency attached by ClinVar (database versions not stated): gnomAD 0.00001.
gnomAD v4.1: 2 of 1,606,138 alleles (0.00012%); highest among the groups gnomAD compares: Non-Finnish European, 0.000085%; no homozygotes.

Submissions (2):

Ambry Genetics
Classification: Uncertain significance for Inborn genetic diseases. Last evaluated: 2025-08-23. Review status: criteria provided, single submitter. Criteria: Ambry Variant Classification Scheme 2023. Collection method: clinical testing. Allele origin: germline.

Labcorp Genetics (formerly Invitae), Labcorp
Classification: Uncertain significance for Leber congenital amaurosis 3. Last evaluated: 2022-04-09. Review status: criteria provided, single submitter. Criteria: Invitae Variant Classification Sherloc (09022015). Collection method: clinical testing. Allele origin: germline.
Comment: In summary, the available evidence is currently insufficient to determine the role of this variant in disease. Therefore, it has been classified as a Variant of Uncertain Significance. Algorithms developed to predict the effect of missense changes on protein structure and function are either unavailable or do not agree on the potential impact of this missense change (SIFT: "Deleterious"; PolyPhen-2: "Benign"; Align-GVGD: "Class C0"). This variant has not been reported in the literature in individuals affected with SPATA7-related conditions. This variant is present in population databases (no rsID available, gnomAD 0.007%). This sequence change replaces lysine, which is basic and polar, with threonine, which is neutral and polar, at codon 303 of the SPATA7 protein (p.Lys303Thr).

NM_018418.5(SPATA7):c.908A>C (p.Lys303Thr)

Gene: SPATA7 (spermatogenesis associated 7; plus strand). Cytogenetic location: 14q31.3.
Variant type: single nucleotide variant.
Coding change: c.908A>C on transcript NM_018418.5 (MANE Select); coding-DNA position 908, A replaced by C.
Protein change: p.Lys303Thr; replaces lysine 303 with threonine.
Molecular consequence: missense variant.
Genome position (GRCh38, 1-based): chr14:88,427,692, A>C. VCF-style: chr14-88427692-A-C. GRCh37 (hg19) VCF-style: chr14-88894036-A-C.
Other names: c.908A>C (NM_018418.4); c.812A>C, p.Lys271Thr (NM_001040428.4); short protein forms K271T, K303T.
Identifiers: ClinVar variation 1931992 (VCV001931992.5), dbSNP rs767675015, ClinGen allele CA390566178.